The following is an entry in ClinVar:

NM_000751.3(CHRND):c.1325C>T (p.Ala442Val)

Gene: CHRND (cholinergic receptor nicotinic delta subunit; plus strand). Cytogenetic location: 2q37.1.
Variant type: single nucleotide variant.
Coding change: c.1325C>T on transcript NM_000751.3 (MANE Select); coding-DNA position 1325, C replaced by T.
Protein change: p.Ala442Val; replaces alanine 442 with valine.
Molecular consequence: missense variant.
Genome position (GRCh38, 1-based): chr2:232,534,296, C>T. VCF-style: chr2-232534296-C-T. GRCh37 (hg19) VCF-style: chr2-233399006-C-T.
Other names: c.1280C>T, p.Ala427Val (NM_001256657.2); c.743C>T, p.Ala248Val (NM_001311195.2); c.1022C>T, p.Ala341Val (NM_001311196.2); short protein forms A341V, A427V, A442V, A248V.
Identifiers: ClinVar variation 1944674 (VCV001944674.5), dbSNP rs2469735242, ClinGen allele CA351005708.
Genomic context (GRCh38, chr2:232,534,296, plus strand): 5'-CAAGCTCTGAGCAGGCCCAGCAGGAACTCTTCAATGAGCTGAAGCCAGCTGTGGATGGGG[C>T]AAACTTCATTGTTAACCACATGAGGGACCAGAACAATTACAATGAGGTAAGGGACCACAG-3'
Protein context (NP_000742.1, residues 432-452): FNELKPAVDG[Ala442Val]NFIVNHMRDQ

ClinVar aggregate classification (germline): Uncertain significance (1 of 4 stars; one submission).

Conditions:
Lethal multiple pterygium syndrome (LMPS). Identifiers: Orphanet 33108, MedGen C1854678, MONDO:0009668, OMIM 253290.

Submission:

Labcorp Genetics (formerly Invitae), Labcorp
Classification: Uncertain significance for Lethal multiple pterygium syndrome. Last evaluated: 2023-08-30. Review status: criteria provided, single submitter. Criteria: Invitae Variant Classification Sherloc (09022015). Collection method: clinical testing. Allele origin: germline.
Comment: ClinVar contains an entry for this variant (Variation ID: 1944674). In summary, the available evidence is currently insufficient to determine the role of this variant in disease. Therefore, it has been classified as a Variant of Uncertain Significance. Advanced modeling of protein sequence and biophysical properties (such as structural, functional, and spatial information, amino acid conservation, physicochemical variation, residue mobility, and thermodynamic stability) performed at Invitae indicates that this missense variant is not expected to disrupt CHRND protein function. This variant has not been reported in the literature in individuals affected with CHRND-related conditions. This variant is not present in population databases (gnomAD no frequency). This sequence change replaces alanine, which is neutral and non-polar, with valine, which is neutral and non-polar, at codon 442 of the CHRND protein (p.Ala442Val).